The following is an entry in ClinVar:

ClinVar aggregate classification (germline): Uncertain significance (1 of 4 stars; one submission).

Submission:

Labcorp Genetics (formerly Invitae), Labcorp
Classification: Uncertain significance. Last evaluated: 2024-07-12. Review status: criteria provided, single submitter. Criteria: Invitae Variant Classification Sherloc (09022015). Collection method: clinical testing. Allele origin: germline.
Comment: This variant, c.16_30dup, results in the insertion of 5 amino acid(s) of the RASA2 protein (p.Pro6_Ala10dup), but otherwise preserves the integrity of the reading frame. This variant is not present in population databases (gnomAD no frequency). This variant has not been reported in the literature in individuals affected with RASA2-related conditions. In summary, the available evidence is currently insufficient to determine the role of this variant in disease. Therefore, it has been classified as a Variant of Uncertain Significance.

NM_006506.5(RASA2):c.16_30dup (p.Ala10_Ala11insProAlaAlaAlaAla)

Genes: RASA2 (RAS p21 protein activator 2; plus strand), LOC129937686 (ATAC-STARR-seq lymphoblastoid silent region 14777; plus strand). Cytogenetic location: 3q23.
Variant type: Duplication.
Coding change: c.16_30dup on transcript NM_006506.5 (MANE Select); coding-DNA positions 16 to 30, 15 bases duplicated (CCTGCTGCTGCGGCG).
Protein change: p.Ala10_Ala11insProAlaAlaAlaAla.
Molecular consequence: inframe insertion.
Genome position (GRCh38, 1-based): chr3:141,487,099-141,487,113, CCTGCTGCTGCGGCG duplicated; duplicating any 15 consecutive bases within chr3:141,487,093-141,487,113 gives the same sequence; the c. name uses the placement nearest the transcript's 3' end. VCF-style (leftmost placement, unchanged base first): chr3-141487092-G-GGCGGCGCCTGCTGCT. GRCh37 (hg19) VCF-style: chr3-141205934-G-GGCGGCGCCTGCTGCT.
Other names: c.16_30dup, p.Ala10_Ala11insProAlaAlaAlaAla (NM_001303245.3, NM_001303246.3).
Identifiers: ClinVar variation 2966950 (VCV002966950.3), dbSNP rs2081585646, ClinGen allele CA1054272807.